The following is an entry in ClinVar:

ClinVar aggregate classification (germline): Conflicting classifications of pathogenicity. Review status: criteria provided, conflicting classifications (1 of 4 stars). 3 submissions from 3 submitters: Likely pathogenic (2); Uncertain significance (1). Last evaluated 2026-06-23.

Conditions:
FGFR3-related disorder. Also called: FGFR3-related disorders.
Hypochondroplasia (HCH). Identifiers: Orphanet 429, MedGen C0410529, MONDO:0007793, OMIM 146000. Disease mechanism: gain of function.

Submissions (3):

Genomenon, Inc
Classification: Likely pathogenic for Hypochondroplasia. Last evaluated: 2026-06-23. Review status: criteria provided, single submitter. Criteria: Genomenon Sequence Variant Interpretation Standards - Updated. Collection method: curation. Allele origin: germline. Affected: yes.
Comment: FGFR3 p.Asn328Ile (c.983A>T) is a missense variant that changes the amino acid at codon 328 from Asparagine to Isoleucine. This variant has been observed in at least one proband with hypochondroplasia (PMID:11015576;16912704). A de novo occurrence of this variant has been observed in at least one affected individual (PMID:16912704). The variant was found to segregate with disease in at least one affected family (PMID:11015576). It is absent or not present at a significant frequency in gnomAD. In silico models predict that this variant is possibly or probably damaging. In conclusion, we classify FGFR3 p.Asn328Ile (c.983A>T) as a likely pathogenic variant.

Labcorp Genetics (formerly Invitae), Labcorp
Classification: Uncertain significance. Last evaluated: 2024-06-11. Review status: criteria provided, single submitter. Criteria: Invitae Variant Classification Sherloc (09022015). Collection method: clinical testing. Allele origin: germline.
Comment: This sequence change replaces asparagine, which is neutral and polar, with isoleucine, which is neutral and non-polar, at codon 328 of the FGFR3 protein (p.Asn328Ile). This variant is not present in population databases (gnomAD no frequency). This missense change has been observed in individuals with autosomal dominant FGFR3-related conditions (PMID: 11015576; Invitae). ClinVar contains an entry for this variant (Variation ID: 65916). Advanced modeling of protein sequence and biophysical properties (such as structural, functional, and spatial information, amino acid conservation, physicochemical variation, residue mobility, and thermodynamic stability) performed at Invitae indicates that this missense variant is expected to disrupt FGFR3 protein function with a positive predictive value of 80%. In summary, the available evidence is currently insufficient to determine the role of this variant in disease. Therefore, it has been classified as a Variant of Uncertain Significance.

Blueprint Genetics
Classification: Likely pathogenic for FGFR3-related disorders. Last evaluated: 2018-08-22. Review status: criteria provided, single submitter. Criteria: ACMG Guidelines, 2015. Collection method: clinical testing. Allele origin: germline. Affected: yes. Observed: 1 variant allele.

Literature cited by the submitters: PubMed 11015576 (cited by Genomenon, Inc and Labcorp Genetics (formerly Invitae), Labcorp); PubMed 16912704 (cited by Genomenon, Inc); PubMed 17981758 (cited by Genomenon, Inc); PubMed 29462882 (cited by Genomenon, Inc); PubMed 30681580 (cited by Genomenon, Inc); PubMed 29736252 (cited by Genomenon, Inc); PubMed 26350084 (cited by Genomenon, Inc); PubMed 26770560 (cited by Genomenon, Inc); PubMed 16829530 (cited by Genomenon, Inc); PubMed 12461689 (cited by Genomenon, Inc); PubMed 12707965 (cited by Genomenon, Inc); PubMed 12784193 (cited by Genomenon, Inc); PubMed 16575888 (cited by Genomenon, Inc); PubMed 18000903 (cited by Genomenon, Inc); PubMed 18328977 (cited by Genomenon, Inc); PubMed 19066716 (cited by Genomenon, Inc); PubMed 21910223 (cited by Genomenon, Inc); PubMed 22038757 (cited by Genomenon, Inc); PubMed 22302603 (cited by Genomenon, Inc); PubMed 23726269 (cited by Genomenon, Inc); PubMed 24411048 (cited by Genomenon, Inc); PubMed 17103447 (cited by Genomenon, Inc); PubMed 19801543 (cited by Genomenon, Inc); PubMed 18391498 (cited by Genomenon, Inc); PubMed 11055896 (cited by Genomenon, Inc); PubMed 15625620 (cited by Genomenon, Inc); PubMed 25614871 (cited by Genomenon, Inc); PubMed 24790322 (cited by Genomenon, Inc); PubMed 23614116 (cited by Genomenon, Inc).

NM_000142.5(FGFR3):c.983A>T (p.Asn328Ile)

Gene: FGFR3 (fibroblast growth factor receptor 3; plus strand). Cytogenetic location: 4p16.3.
Variant type: single nucleotide variant.
Coding change: c.983A>T on transcript NM_000142.5 (MANE Select); coding-DNA position 983, A replaced by T.
Protein change: p.Asn328Ile; replaces asparagine 328 with isoleucine.
Molecular consequence: missense variant. On other transcripts: non-coding transcript variant (1), intron variant (2).
Genome position (GRCh38, 1-based): chr4:1,803,744, A>T. VCF-style: chr4-1803744-A-T. GRCh37 (hg19) VCF-style: chr4-1805471-A-T.
Other names: c.983A>T, p.Asn328Ile (NM_001354809.2, NM_001354810.2); c.1082-586A>T (NM_001163213.2); c.931-1080A>T (NM_022965.4); short protein forms N328I.
Identifiers: ClinVar variation 65916 (VCV000065916.8), dbSNP rs587778817, ClinGen allele CA345257.